The following is an entry in ClinVar:

NM_001042492.3(NF1):c.91del (p.His31fs)

Gene: NF1 (neurofibromin 1; plus strand). Cytogenetic location: 17q11.2.
Variant type: Deletion.
Coding change: c.91del on transcript NM_001042492.3 (MANE Select); coding-DNA position 91, one base deleted (C; older notation c.91delC).
Protein change: p.His31fs; shifts the reading frame from histidine 31.
Molecular consequence: frameshift variant.
Genome position (GRCh38, 1-based): chr17:31,156,013, C deleted. VCF-style (leftmost placement, unchanged base first): chr17-31156012-AC-A. GRCh37 (hg19) VCF-style: chr17-29483030-AC-A.
Other names: c.91delC, p.His31Ilefs (NM_000267.4); c.91del, p.His31fs (NM_001128147.3); short protein forms H31fs.
Identifiers: ClinVar variation 2858198 (VCV002858198.3), dbSNP rs2544680914, ClinGen allele CA2739267274.

ClinVar aggregate classification (germline): Pathogenic (1 of 4 stars; one submission).

Conditions:
Neurofibromatosis, type 1 (NF1). Also called: VON RECKLINGHAUSEN DISEASE; Neurofibromatosis, type I; Peripheral type neurofibromatosis; NEUROFIBROMATOSIS, TYPE I, SOMATIC. Identifiers: Orphanet 636, MedGen C0027831, MONDO:0018975, OMIM 162200. Disease mechanism: loss of function.

Submission:

Labcorp Genetics (formerly Invitae), Labcorp
Classification: Pathogenic for Neurofibromatosis, type 1. Last evaluated: 2023-04-22. Review status: criteria provided, single submitter. Criteria: Invitae Variant Classification Sherloc (09022015). Collection method: clinical testing. Allele origin: germline.
Comment: For these reasons, this variant has been classified as Pathogenic. This variant has not been reported in the literature in individuals affected with NF1-related conditions. This variant is not present in population databases (gnomAD no frequency). This sequence change creates a premature translational stop signal (p.His31Ilefs*13) in the NF1 gene. It is expected to result in an absent or disrupted protein product. Loss-of-function variants in NF1 are known to be pathogenic (PMID: 10712197, 23913538).

Literature cited by the submitters: PubMed 10712197; PubMed 23913538.